The following is an entry in ClinVar:

ClinVar aggregate classification (germline): Uncertain significance. Review status: criteria provided, multiple submitters, no conflicts (2 of 4 stars). 4 submissions from 4 submitters: Uncertain significance (4). Last evaluated 2026-08-12.

Conditions:
Cardiovascular phenotype. Identifiers: MedGen CN230736.
CBL-related disorder. Also called: CBL MUTATION-ASSOCIATED SYNDROME; CBL SYNDROME; NOONAN SYNDROME-LIKE DISORDER WITHOUT JUVENILE MYELOMONOCYTIC LEUKEMIA. Identifiers: Orphanet 363972, MedGen C3150803, MONDO:0013308, OMIM 613563.
RASopathy. Also called: rasopathies; Noonan spectrum disorder. Identifiers: Orphanet 536391, MedGen C5555857, MONDO:0021060.

Allele frequency attached by ClinVar (database versions not stated): gnomAD exomes below 0.00001.
gnomAD v4.1: 2 of 1,614,144 alleles (0.00012%); highest among the groups gnomAD compares: South Asian, 0.0011%; no homozygotes.

Submissions (4):

Ambry Genetics
Classification: Uncertain significance for Cardiovascular phenotype. Last evaluated: 2026-08-12. Review status: criteria provided, single submitter. Criteria: Ambry Variant Classification Scheme 2023. Collection method: clinical testing. Allele origin: germline.
Comment: The c.2504G>A (p.R835Q) alteration is located in exon 16 (coding exon 16) of the CBL gene. This alteration results from a G to A substitution at nucleotide position 2504, causing the arginine (R) at amino acid position 835 to be replaced by a glutamine (Q). Based on data from gnomAD, the A allele has an overall frequency of <0.001% (1/251468) total alleles studied. The highest observed frequency was 0.001% (1/113752) of European (non-Finnish) alleles. Based on insufficient or conflicting evidence, the clinical significance of this alteration remains unclear.

PreventionGenetics, part of Exact Sciences
Classification: Uncertain significance for CBL-related condition. Last evaluated: 2026-04-29. Review status: criteria provided, single submitter. Criteria: ACMG Guidelines, 2015. Collection method: clinical testing. Allele origin: germline.
Comment: The CBL c.2504G>A variant is predicted to result in the amino acid substitution p.Arg835Gln. To our knowledge, this variant has not been reported in the literature. This variant is reported in 0.00088% of alleles in individuals of European (Non-Finnish) descent in gnomAD. At this time, the clinical significance of this variant is uncertain due to the absence of conclusive functional and genetic evidence.

Labcorp Genetics (formerly Invitae), Labcorp
Classification: Uncertain significance for RASopathy. Last evaluated: 2025-12-03. Review status: criteria provided, single submitter. Criteria: Invitae Variant Classification Sherloc (09022015). Collection method: clinical testing. Allele origin: germline.
Comment: This sequence change replaces arginine, which is basic and polar, with glutamine, which is neutral and polar, at codon 835 of the CBL protein (p.Arg835Gln). This variant is present in population databases (no rsID available, gnomAD 0.0009%). This variant has not been reported in the literature in individuals affected with CBL-related conditions. ClinVar contains an entry for this variant (Variation ID: 372915). Invitae Evidence Modeling of protein sequence and biophysical properties (such as structural, functional, and spatial information, amino acid conservation, physicochemical variation, residue mobility, and thermodynamic stability) indicates that this missense variant is not expected to disrupt CBL protein function with a negative predictive value of 95%. In summary, the available evidence is currently insufficient to determine the role of this variant in disease. Therefore, it has been classified as a Variant of Uncertain Significance.

GeneDx
Classification: Uncertain significance. Last evaluated: 2016-03-02. Review status: criteria provided, single submitter. Criteria: GeneDx Variant Classification (06012015). Collection method: clinical testing. Allele origin: germline. Affected: yes.
Comment: The R835Q variant in the CBL gene has not been reported previously as a pathogenic variant, nor as a benign variant, to our knowledge. The R835Q variant was not observed in approximately 6,500 individuals of European and African American ancestry in the NHLBI Exome Sequencing Project, indicating it is not a common benign variant in these populations. The R835Q variant is a semi-conservative amino acid substitution, which may impact secondary protein structure as these residues differ in some properties. This substitution occurs at a position that is conserved across species. In silico analysis is inconsistent in its predictions as to whether or not the variant is damaging to the protein structure/function. We interpret R835Q as a variant of uncertain significance

NM_005188.4(CBL):c.2504G>A (p.Arg835Gln)

Gene: CBL (Cbl proto-oncogene; plus strand). Cytogenetic location: 11q23.3.
Variant type: single nucleotide variant.
Coding change: c.2504G>A on transcript NM_005188.4 (MANE Select); coding-DNA position 2504, G replaced by A.
Protein change: p.Arg835Gln; replaces arginine 835 with glutamine.
Molecular consequence: missense variant.
Genome position (GRCh38, 1-based): chr11:119,299,564, G>A. VCF-style: chr11-119299564-G-A. GRCh37 (hg19) VCF-style: chr11-119170274-G-A.
Other names: c.2504G>A (NM_005188.3); short protein forms R835Q.
Identifiers: ClinVar variation 372915 (VCV000372915.9), dbSNP rs1057518072, ClinGen allele CA16042828.
Genomic context (GRCh38, chr11:119,299,564, plus strand): 5'-AAGGTTCCCAAGTTCCCGAGAGGCCTCCAAAACCATTCCCGCGGAGAATCAACTCTGAAC[G>A]GAAAGCTGGCAGCTGTCAGCAAGGTAGTGGTCCTGCCGCCTCTGCTGCCACCGCCTCACC-3'
Protein context (NP_005179.2, residues 825-845): KPFPRRINSE[Arg835Gln]KAGSCQQGSG